The following is an entry in ClinVar:

NM_000492.4(CFTR):c.433C>G (p.Leu145Val)

Gene: CFTR (CF transmembrane conductance regulator; plus strand). Cytogenetic location: 7q31.2.
Variant type: single nucleotide variant.
Coding change: c.433C>G on transcript NM_000492.4 (MANE Select); coding-DNA position 433, C replaced by G.
Protein change: p.Leu145Val; replaces leucine 145 with valine.
Molecular consequence: missense variant.
Genome position (GRCh38, 1-based): chr7:117,531,058, C>G. VCF-style: chr7-117531058-C-G. GRCh37 (hg19) VCF-style: chr7-117171112-C-G.
Other names: short protein forms L145V.
Identifiers: ClinVar variation 1704256 (VCV001704256.2), dbSNP rs749836021, ClinGen allele CA368974810.

ClinVar aggregate classification (germline): Conflicting classifications of pathogenicity. Review status: criteria provided, conflicting classifications (1 of 4 stars). 2 submissions from 2 submitters: Pathogenic (1); Uncertain significance (1). Last evaluated 2025-02-03.

Conditions:
CFTR-related disorder (CFTR-RD). Also called: CFTR-related disorders; CFTR-related condition. Identifiers: MedGen C5924204, MONDO:7770004.
Cystic fibrosis (CF). Also called: MUCOVISCIDOSIS. Identifiers: Orphanet 586, MedGen C0010674, MONDO:0009061, OMIM 219700. Disease mechanism: loss of function.

Submissions (2):

Labcorp Genetics (formerly Invitae), Labcorp
Classification: Uncertain significance for Cystic fibrosis. Last evaluated: 2025-02-03. Review status: criteria provided, single submitter. Criteria: Invitae Variant Classification Sherloc (09022015). Collection method: clinical testing. Allele origin: germline.
Comment: This sequence change replaces leucine, which is neutral and non-polar, with valine, which is neutral and non-polar, at codon 145 of the CFTR protein (p.Leu145Val). This variant is not present in population databases (gnomAD no frequency). This variant has not been reported in the literature in individuals affected with CFTR-related conditions. ClinVar contains an entry for this variant (Variation ID: 1704256). Invitae Evidence Modeling of protein sequence and biophysical properties (such as structural, functional, and spatial information, amino acid conservation, physicochemical variation, residue mobility, and thermodynamic stability) indicates that this missense variant is expected to disrupt CFTR protein function with a positive predictive value of 80%. In summary, the available evidence is currently insufficient to determine the role of this variant in disease. Therefore, it has been classified as a Variant of Uncertain Significance.

CFTR-France
Classification: Pathogenic for cystic fibrosis; CFTR-related disorders. Last evaluated: 2021-04-27. Review status: criteria provided, single submitter. Criteria: Claustres M et al. (Hum Mutat 2017). Collection method: curation. Allele origin: germline. Affected: yes.
Comment: the variant causes a phenotype but regarding our data, we can't formally attribute it to CF, CFTR-RD or both